The following is an entry in ClinVar:

ClinVar aggregate classification (germline): Uncertain significance. Review status: criteria provided, multiple submitters, no conflicts (2 of 4 stars). 5 submissions from 5 submitters: Uncertain significance (4). 1 of the submissions does not count toward it. Last evaluated 2021-04-27.

Conditions:
SCN2A-related disorder. Also called: SCN2A-related condition; SCN2A-related disorders. Identifiers: MedGen CN382226, MONDO:1060245.
Inborn genetic diseases. Identifiers: MedGen C0950123, MeSH D030342.
Developmental and epileptic encephalopathy, 11 (DEE11). Also called: Early infantile epileptic encephalopathy 11. Identifiers: Orphanet 1934, MedGen C3150987, MONDO:0013388, OMIM 613721.
Seizures, benign familial infantile, 3 (BFIS3). Also called: CONVULSIONS, BENIGN FAMILIAL INFANTILE, 3; Familial neonatal seizures. Identifiers: Orphanet 140927, Orphanet 306, MedGen C1843140, MONDO:0011904, OMIM 607745.

Allele frequency attached by ClinVar (database versions not stated): gnomAD exomes below 0.00001 and 0.00001.
gnomAD v4.1: 4 of 1,613,576 alleles (0.00025%); highest among the groups gnomAD compares: South Asian, 0.0044%; no homozygotes.

Submissions (5):

Revvity Omics, Revvity
Classification: Uncertain significance. Last evaluated: 2021-04-27. Review status: criteria provided, single submitter. Criteria: ACMG Guidelines, 2015. Collection method: clinical testing. Allele origin: germline.

Labcorp Genetics (formerly Invitae), Labcorp
Classification: Uncertain significance for Seizures, benign familial infantile, 3; Developmental and epileptic encephalopathy, 11. Last evaluated: 2020-12-30. Review status: criteria provided, single submitter. Criteria: Invitae Variant Classification Sherloc (09022015). Collection method: clinical testing. Allele origin: germline.
Comment: In summary, the available evidence is currently insufficient to determine the role of this variant in disease. Therefore, it has been classified as a Variant of Uncertain Significance. Algorithms developed to predict the effect of missense changes on protein structure and function are either unavailable or do not agree on the potential impact of this missense change (SIFT: "Deleterious"; PolyPhen-2: "Benign"; Align-GVGD: "Class C0"). This variant has not been reported in the literature in individuals with SCN2A-related conditions. ClinVar contains an entry for this variant (Variation ID: 589861). This variant is not present in population databases (ExAC no frequency). This sequence change replaces leucine with valine at codon 663 of the SCN2A protein (p.Leu663Val). The leucine residue is highly conserved and there is a small physicochemical difference between leucine and valine.

Ambry Genetics
Classification: Uncertain significance for Inborn genetic diseases. Last evaluated: 2016-06-21. Review status: criteria provided, single submitter. Criteria: Ambry Variant Classification Scheme 2023. Collection method: clinical testing. Allele origin: germline.
Comment: The p.L663V variant (also known as c.1987C>G), located in coding exon 11 of the SCN2A gene, results from a C to G substitution at nucleotide position 1987. The leucine at codon 663 is replaced by valine, an amino acid with highly similar properties. This variant was not reported in population based cohorts in the following databases: Database of Single Nucleotide Polymorphisms (dbSNP), NHLBI Exome Sequencing Project (ESP), and 1000 Genomes Project. In the ESP, this variant was not observed in 6502 samples (13004 alleles) with coverage at this position. This amino acid position is well conserved in available vertebrate species. In addition, this alteration is predicted to be tolerated by in silico analysis. Since supporting evidence is limited at this time, the clinical significance of this alteration remains unclear.

Neuberg Centre For Genomic Medicine, NCGM
Classification: Uncertain significance for Developmental and epileptic encephalopathy, 11. Review status: criteria provided, single submitter. Criteria: ACMG Guidelines, 2015. Collection method: clinical testing. Allele origin: germline. Inheritance: Autosomal dominant inheritance. Affected: yes.
Comment: The missense variant c.1987C>G (p.Leu663Val) in SCN2A gene has been submitted to ClinVar as a Variant of Uncertain Significance. It has not been reported in affected individuals. This variant is reported with the allele frequency (0.0004%) in the gnomAD and novel in 1000 genome database. The amino acid Leu at position 663 is changed to a Val changing protein sequence and it might alter its composition and physico-chemical properties. The amino acid change p.Leu663Val in SCN2A is predicted as conserved by GERP++ and PhyloP across 100 vertebrates. For these reasons, this variant has been classified as Variant of Uncertain Significance.

PreventionGenetics, part of Exact Sciences
Classification: Uncertain significance for SCN2A-related condition. Last evaluated: 2024-03-22. Review status: no assertion criteria provided. Collection method: clinical testing. Allele origin: germline. Not counted in ClinVar's aggregate classification.
Comment: The SCN2A c.1987C>G variant is predicted to result in the amino acid substitution p.Leu663Val. To our knowledge, this variant has not been reported in the literature. This variant is reported in 0.0033% of alleles in individuals of South Asian descent in gnomAD. At this time, the clinical significance of this variant is uncertain due to the absence of conclusive functional and genetic evidence.

NM_001040142.2(SCN2A):c.1987C>G (p.Leu663Val)

Gene: SCN2A (sodium voltage-gated channel alpha subunit 2; plus strand). Cytogenetic location: 2q24.3.
Variant type: single nucleotide variant.
Coding change: c.1987C>G on transcript NM_001040142.2 (MANE Select); coding-DNA position 1987, C replaced by G.
Protein change: p.Leu663Val; replaces leucine 663 with valine.
Molecular consequence: missense variant.
Genome position (GRCh38, 1-based): chr2:165,323,471, C>G. VCF-style: chr2-165323471-C-G. GRCh37 (hg19) VCF-style: chr2-166179981-C-G.
Other names: c.1987C>G, p.Leu663Val (NM_001040143.2, NM_001371246.1, NM_001371247.1 and 1 more transcripts); short protein forms L663V.
Identifiers: ClinVar variation 589861 (VCV000589861.17), dbSNP rs1017711579, ClinGen allele CA59736946.